The following is an entry in ClinVar:

NM_013432.5(TONSL):c.3642C>T (p.Pro1214=)

Gene: TONSL (tonsoku like, DNA repair protein; minus strand). Cytogenetic location: 8q24.3.
Variant type: single nucleotide variant.
Coding change: c.3642C>T on transcript NM_013432.5 (MANE Select); coding-DNA position 3642, C replaced by T.
Protein change: p.Pro1214=; no amino-acid change (proline 1214 retained).
Molecular consequence: synonymous variant.
Genome position (GRCh38, 1-based): chr8:144,432,378, G>A on the plus strand (C>T on the coding strand, the complement: TONSL is on the minus strand). VCF-style: chr8-144432378-G-A. GRCh37 (hg19) VCF-style: chr8-145657761-G-A.
Other names: c.3642C>T (NM_013432.4).
Identifiers: ClinVar variation 1169284 (VCV001169284.10), dbSNP rs34599999, ClinGen allele CA4942423.
Genomic context (GRCh38, chr8:144,432,378, plus strand): 5'-GTCCGAATCACCCTTGCCGGCTGCCACGGAGCTGAGCTCTAAGTGCAGGAGGGTGCCGGC[G>A]GGCAGGCTCTGCAGGGTCCTGGCCAGGGCAGGGGCTCCCAGGGCGTTGTAGGACAGGGAC-3'
Protein context (NP_038460.4, residues 1204-1224): PALARTLQSL[Pro1214=]AGTLLHLELS

ClinVar aggregate classification (germline): Benign. Review status: criteria provided, multiple submitters, no conflicts (2 of 4 stars). 3 submissions from 3 submitters: Benign (2). 1 of the submissions does not count toward it. Last evaluated 2026-02-04.

Conditions:
TONSL-related disorder. Also called: TONSL-related condition.

Allele frequency attached by ClinVar (database versions not stated): 1000 Genomes Project 0.00599; 1000 Genomes Project 30x 0.00656; TOPMed 0.01011; gnomAD exomes 0.01023 and 0.01439; gnomAD 0.01028 and 0.01093; ExAC 0.01117; ESP Exome Variant Server 0.01307.

Submissions (3):

Labcorp Genetics (formerly Invitae), Labcorp
Classification: Benign. Last evaluated: 2026-02-04. Review status: criteria provided, single submitter. Criteria: Invitae Variant Classification Sherloc (09022015). Collection method: clinical testing. Allele origin: germline.

Breakthrough Genomics
Classification: Benign. Review status: criteria provided, single submitter. Criteria: ACMG Guidelines, 2015. Collection method: not provided. Allele origin: germline. Inheritance: Autosomal recessive inheritance. Affected: yes.

PreventionGenetics, part of Exact Sciences
Classification: Benign for TONSL-related condition. Last evaluated: 2019-10-30. Review status: no assertion criteria provided. Collection method: clinical testing. Allele origin: germline. Not counted in ClinVar's aggregate classification.
Comment: This variant is classified as benign based on ACMG/AMP sequence variant interpretation guidelines (Richards et al. 2015 PMID: 25741868, with internal and published modifications).